The following is an entry in ClinVar:

ClinVar aggregate classification (germline): Likely benign. Review status: criteria provided, multiple submitters, no conflicts (2 of 4 stars). 3 submissions from 3 submitters: Likely benign (2). 1 of the submissions does not count toward it. Last evaluated 2026-01-23.

Conditions:
EMC1-related disorder. Also called: EMC1-related condition.

Allele frequency attached by ClinVar (database versions not stated): gnomAD 0.00001; ExAC 0.00002; TOPMed 0.00002; gnomAD exomes 0.00004 and 0.00005; ESP Exome Variant Server 0.00008.
gnomAD v4.1: 81 of 1,614,030 alleles (0.005%); highest among the groups gnomAD compares: Middle Eastern, 0.049%; no homozygotes.

Submissions (3):

Labcorp Genetics (formerly Invitae), Labcorp
Classification: Likely benign. Last evaluated: 2026-01-23. Review status: criteria provided, single submitter. Criteria: Invitae Variant Classification Sherloc (09022015). Collection method: clinical testing. Allele origin: germline.

Blueprint Genetics
Classification: Likely benign. Last evaluated: 2024-09-09. Review status: criteria provided, single submitter. Criteria: ACMG Guidelines, 2015. Collection method: clinical testing. Allele origin: germline.

PreventionGenetics, part of Exact Sciences
Classification: Likely benign for EMC1-related condition. Last evaluated: 2020-07-30. Review status: no assertion criteria provided. Collection method: clinical testing. Allele origin: germline. Not counted in ClinVar's aggregate classification.
Comment: This variant is classified as likely benign based on ACMG/AMP sequence variant interpretation guidelines (Richards et al. 2015 PMID: 25741868, with internal and published modifications).

NM_015047.3(EMC1):c.1659C>T (p.Gly553=)

Genes: EMC1 (ER membrane protein complex subunit 1; minus strand), EMC1-AS1 (EMC1 antisense RNA 1; plus strand). Cytogenetic location: 1p36.13.
Variant type: single nucleotide variant.
Coding change: c.1659C>T on transcript NM_015047.3 (MANE Select); coding-DNA position 1659, C replaced by T.
Protein change: p.Gly553=; no amino-acid change (glycine 553 retained).
Molecular consequence: synonymous variant.
Genome position (GRCh38, 1-based): chr1:19,232,747, G>A on the plus strand (C>T on the coding strand, the complement: EMC1 is on the minus strand). VCF-style: chr1-19232747-G-A. GRCh37 (hg19) VCF-style: chr1-19559241-G-A.
Other names: c.1656C>T, p.Gly552= (NM_001271427.2, NM_001271428.2); c.1593C>T, p.Gly531= (NM_001271429.2); c.1668C>T, p.Gly556= (NM_001375820.1); c.1665C>T, p.Gly555= (NM_001375821.1); c.1659C>T (NM_015047.2).
Identifiers: ClinVar variation 1505057 (VCV001505057.11), dbSNP rs138451773, ClinGen allele CA652524.